The following is an entry in ClinVar:

ClinVar aggregate classification (germline): Conflicting classifications of pathogenicity. Review status: criteria provided, conflicting classifications (1 of 4 stars). 2 submissions from 2 submitters: Uncertain significance (1); Likely benign (1). Last evaluated 2025-10-31.

Conditions:
PLAU-related disorder. Also called: PLAU-related condition.

Submissions (2):

Women's Health and Genetics/Laboratory Corporation of America, LabCorp
Classification: Uncertain significance. Last evaluated: 2025-10-31. Review status: criteria provided, single submitter. Criteria: LabCorp Variant Classification Summary - May 2015. Collection method: clinical testing. Allele origin: germline.
Comment: Variant summary: PLAU c.973G>A (p.Asp325Asn) results in a conservative amino acid change in the encoded protein sequence. Algorithms developed to predict the effect of missense changes on protein structure and function are either unavailable or do not agree on the potential impact of this missense change. Consensus agreement among computation tools predict no significant impact on normal splicing. However, these predictions have yet to be confirmed by functional studies. The variant allele was found at a frequency of 3.6e-05 in 248284 control chromosomes. The available data on variant occurrences in the general population are insufficient to allow any conclusion about variant significance. To our knowledge, no occurrence of c.973G>A in individuals affected with PLAU-related conditions and no experimental evidence demonstrating its impact on protein function have been reported. No submitters have cited clinical-significance assessments for this variant to ClinVar. Based on the evidence outlined above, the variant was classified as uncertain significance.

PreventionGenetics, part of Exact Sciences
Classification: Likely benign for PLAU-related condition. Last evaluated: 2025-06-16. Review status: criteria provided, single submitter. Criteria: ACMG Guidelines, 2015. Collection method: clinical testing. Allele origin: germline.
Comment: This variant is classified as likely benign based on ACMG/AMP sequence variant interpretation guidelines (Richards et al. 2015 PMID: 25741868, with internal and published modifications).

NM_002658.6(PLAU):c.973G>A (p.Asp325Asn)

Genes: C10orf55 (chromosome 10 putative open reading frame 55; minus strand), PLAU (plasminogen activator, urokinase; plus strand). Cytogenetic location: 10q22.2.
Variant type: single nucleotide variant.
Coding change: c.973G>A on transcript NM_002658.6 (MANE Select); coding-DNA position 973, G replaced by A.
Protein change: p.Asp325Asn; replaces aspartic acid 325 with asparagine.
Molecular consequence: missense variant.
Genome position (GRCh38, 1-based): chr10:73,915,253, G>A. VCF-style: chr10-73915253-G-A. GRCh37 (hg19) VCF-style: chr10-75675011-G-A.
Other names: c.973G>A (NM_002658.4); c.922G>A, p.Asp308Asn (NM_001145031.3); c.715G>A, p.Asp239Asn (NM_001319191.2, NM_001441158.1, NM_001441159.1); c.973G>A, p.Asp325Asn (NM_001441154.1, NM_001441155.1, NM_001441156.1 and 2 more transcripts); short protein forms D239N, D308N, D325N.
Identifiers: ClinVar variation 4687810 (VCV004687810.2).